The following is an entry in ClinVar:

NM_005359.6(SMAD4):c.671A>G (p.Gln224Arg)

Gene: SMAD4 (SMAD family member 4; plus strand). Cytogenetic location: 18q21.2.
Variant type: single nucleotide variant.
Coding change: c.671A>G on transcript NM_005359.6 (MANE Select); coding-DNA position 671, A replaced by G.
Protein change: p.Gln224Arg; replaces glutamine 224 with arginine.
Molecular consequence: missense variant. On other transcripts: non-coding transcript variant (2).
Genome position (GRCh38, 1-based): chr18:51,058,128, A>G. VCF-style: chr18-51058128-A-G. GRCh37 (hg19) VCF-style: chr18-48584498-A-G.
Other names: c.671A>G, p.Gln224Arg (NM_001407041.1, NM_001407042.1, NM_001407043.1); short protein forms Q224R.
Identifiers: ClinVar variation 4042802 (VCV004042802.1).

ClinVar aggregate classification (germline): Uncertain significance (1 of 4 stars; one submission).

Conditions:
Familial thoracic aortic aneurysm and aortic dissection (TAAD). Also called: Thoracic aortic aneurysms and dissections. Identifiers: Orphanet 91387, MedGen C4707243, MONDO:0019625.
Hereditary cancer-predisposing syndrome. Also called: Neoplastic Syndromes, Hereditary; Tumor predisposition; Hereditary neoplastic syndrome; Hereditary Cancer Syndrome. Identifiers: Orphanet 140162, MedGen C0027672, MeSH D009386, MONDO:0015356.

Submission:

Ambry Genetics
Classification: Uncertain significance for Hereditary cancer-predisposing syndrome; Familial thoracic aortic aneurysm and aortic dissection. Last evaluated: 2025-03-31. Review status: criteria provided, single submitter. Criteria: Ambry Variant Classification Scheme 2023. Collection method: clinical testing. Allele origin: germline.
Comment: The p.Q224R variant (also known as c.671A>G), located in coding exon 5 of the SMAD4 gene, results from an A to G substitution at nucleotide position 671. The glutamine at codon 224 is replaced by arginine, an amino acid with highly similar properties. This amino acid position is conserved. In addition, the in silico prediction for this alteration is inconclusive. Based on the available evidence, the clinical significance of this variant remains unclear.